The following is an entry in ClinVar:

ClinVar aggregate classification (germline): Likely pathogenic (1 of 4 stars; one submission).

Conditions:
Autosomal recessive nonsyndromic hearing loss 18B. Also called: Deafness, autosomal recessive 18b. Identifiers: Orphanet 90636, MedGen C3554163, MONDO:0013985, OMIM 614945.

Submission:

Juno Genomics, Hangzhou Juno Genomics, Inc
Classification: Likely pathogenic for Autosomal recessive nonsyndromic hearing loss 18B. Review status: criteria provided, single submitter. Criteria: ACMG Guidelines, 2015. Collection method: clinical testing. Allele origin: germline.
Comment: Null variant in a gene where loss of function (LOF) is a known mechanism of disease.;Absent from controls (or at extremely low frequency if recessive) in Genome Aggregation Database.

NM_001292063.2(OTOG):c.5428del (p.Leu1810fs)

Gene: OTOG (otogelin; plus strand). Cytogenetic location: 11p15.1.
Variant type: Deletion.
Coding change: c.5428del on transcript NM_001292063.2 (MANE Select); coding-DNA position 5428, one base deleted (C; older notation c.5428delC).
Protein change: p.Leu1810fs; shifts the reading frame from leucine 1810.
Molecular consequence: frameshift variant.
Genome position (GRCh38, 1-based): chr11:17,610,728, C deleted; the last of 4 consecutive C bases (chr11:17,610,725-17,610,728); deleting any one gives the same sequence. VCF-style (leftmost placement, unchanged base first): chr11-17610724-GC-G. GRCh37 (hg19) VCF-style: chr11-17632271-GC-G.
Other names: c.5464del, p.Leu1822fs (NM_001277269.2); short protein forms L1822fs, L1810fs.
Identifiers: ClinVar variation 5007844 (VCV005007844.2).